The following is an entry in ClinVar:

NM_003680.4(YARS1):c.316G>A (p.Glu106Lys)

Gene: YARS1 (tyrosyl-tRNA synthetase 1; minus strand). Cytogenetic location: 1p35.1.
Variant type: single nucleotide variant.
Coding change: c.316G>A on transcript NM_003680.4 (MANE Select); coding-DNA position 316, G replaced by A.
Protein change: p.Glu106Lys; replaces glutamic acid 106 with lysine.
Molecular consequence: missense variant.
Genome position (GRCh38, 1-based): chr1:32,810,655, C>T on the plus strand (G>A on the coding strand, the complement: YARS1 is on the minus strand). VCF-style: chr1-32810655-C-T. GRCh37 (hg19) VCF-style: chr1-33276256-C-T.
Other names: short protein forms E106K.
Identifiers: ClinVar variation 1318933 (VCV001318933.2), dbSNP rs1638562844, ClinGen allele CA339687136.

ClinVar aggregate classification (germline): Uncertain significance (1 of 4 stars; one submission).

Submission:

GeneDx
Classification: Uncertain significance. Last evaluated: 2019-09-16. Review status: criteria provided, single submitter. Criteria: GeneDx Variant Classification Process June 2021. Collection method: clinical testing. Allele origin: germline. Affected: yes.
Comment: Not observed in large population cohorts (Lek et al., 2016); In silico analysis, which includes protein predictors and evolutionary conservation, supports that this variant does not alter protein structure/function; Has not been previously published as pathogenic or benign to our knowledge